The following is an entry in ClinVar:

ClinVar aggregate classification (germline): Uncertain significance (1 of 4 stars; one submission).

Conditions:
Dystonia 12 (DYT12). Also called: DYT-ATP1A3; Rapid-Onset Dystonia-Parkinsonism (RDP). Identifiers: Orphanet 71517, MedGen C1868681, MONDO:0007496, OMIM 128235.

gnomAD v4.1: 5 of 1,614,192 alleles (0.00031%); highest among the groups gnomAD compares: Non-Finnish European, 0.00042%; no homozygotes.

Submission:

Labcorp Genetics (formerly Invitae), Labcorp
Classification: Uncertain significance for Dystonia 12. Last evaluated: 2024-10-27. Review status: criteria provided, single submitter. Criteria: Invitae Variant Classification Sherloc (09022015). Collection method: clinical testing. Allele origin: germline.
Comment: This sequence change replaces arginine, which is basic and polar, with glutamine, which is neutral and polar, at codon 230 of the ATP1A3 protein (p.Arg230Gln). This variant is not present in population databases (gnomAD no frequency). This variant has not been reported in the literature in individuals affected with ATP1A3-related conditions. Invitae Evidence Modeling of protein sequence and biophysical properties (such as structural, functional, and spatial information, amino acid conservation, physicochemical variation, residue mobility, and thermodynamic stability) indicates that this missense variant is expected to disrupt ATP1A3 protein function with a positive predictive value of 80%. In summary, the available evidence is currently insufficient to determine the role of this variant in disease. Therefore, it has been classified as a Variant of Uncertain Significance.

NM_152296.5(ATP1A3):c.689G>A (p.Arg230Gln)

Gene: ATP1A3 (ATPase Na+/K+ transporting subunit alpha 3; minus strand). Cytogenetic location: 19q13.2.
Variant type: single nucleotide variant.
Coding change: c.689G>A on transcript NM_152296.5 (MANE Select); coding-DNA position 689, G replaced by A.
Protein change: p.Arg230Gln; replaces arginine 230 with glutamine.
Molecular consequence: missense variant.
Genome position (GRCh38, 1-based): chr19:41,985,341, C>T on the plus strand (G>A on the coding strand, the complement: ATP1A3 is on the minus strand). VCF-style: chr19-41985341-C-T. GRCh37 (hg19) VCF-style: chr19-42489493-C-T.
Other names: c.722G>A, p.Arg241Gln (NM_001256213.2); c.728G>A, p.Arg243Gln (NM_001256214.2); short protein forms R230Q, R241Q, R243Q.
Identifiers: ClinVar variation 3671937 (VCV003671937.2).